The following is an entry in ClinVar:

ClinVar aggregate classification (germline): Uncertain significance (1 of 4 stars; one submission).

Conditions:
Charcot-Marie-Tooth disease type 4. Also called: Charcot-Marie-Tooth, Type 4; Charcot-Marie-Tooth disease, type IV. Identifiers: Orphanet 64749, MedGen C4082197, MONDO:0018995.

Submission:

Labcorp Genetics (formerly Invitae), Labcorp
Classification: Uncertain significance for Charcot-Marie-Tooth disease type 4. Last evaluated: 2025-04-07. Review status: criteria provided, single submitter. Criteria: Invitae Variant Classification Sherloc (09022015). Collection method: clinical testing. Allele origin: germline.
Comment: This sequence change replaces glutamic acid, which is acidic and polar, with glycine, which is neutral and non-polar, at codon 98 of the SBF2 protein (p.Glu98Gly). This variant is not present in population databases (gnomAD no frequency). This variant has not been reported in the literature in individuals affected with SBF2-related conditions. ClinVar contains an entry for this variant (Variation ID: 2149169). An algorithm developed to predict the effect of missense changes on protein structure and function (PolyPhen-2) suggests that this variant is likely to be tolerated. In summary, the available evidence is currently insufficient to determine the role of this variant in disease. Therefore, it has been classified as a Variant of Uncertain Significance.

NM_030962.4(SBF2):c.293A>G (p.Glu98Gly)

Gene: SBF2 (SET binding factor 2; minus strand). Cytogenetic location: 11p15.4.
Variant type: single nucleotide variant.
Coding change: c.293A>G on transcript NM_030962.4 (MANE Select); coding-DNA position 293, A replaced by G.
Protein change: p.Glu98Gly; replaces glutamic acid 98 with glycine.
Molecular consequence: missense variant.
Genome position (GRCh38, 1-based): chr11:10,031,157, T>C on the plus strand (A>G on the coding strand, the complement: SBF2 is on the minus strand). VCF-style: chr11-10031157-T-C. GRCh37 (hg19) VCF-style: chr11-10052704-T-C.
Other names: c.293A>G, p.Glu98Gly (NM_001386339.1, NM_001386342.1); short protein forms E98G.
Identifiers: ClinVar variation 2149169 (VCV002149169.4), dbSNP rs2496388031, ClinGen allele CA379646759.